The following is an entry in ClinVar:

NM_020297.4(ABCC9):c.2019+275T>C

Gene: ABCC9 (ATP binding cassette subfamily C member 9; minus strand). Cytogenetic location: 12p12.1.
Variant type: single nucleotide variant.
Coding change: c.2019+275T>C on transcript NM_020297.4 (MANE Select); 275 bases into the intron after coding-DNA position 2019, T replaced by C.
Molecular consequence: intron variant.
Genome position (GRCh38, 1-based): chr12:21,882,491, A>G on the plus strand (T>C on the coding strand, the complement: ABCC9 is on the minus strand). VCF-style: chr12-21882491-A-G. GRCh37 (hg19) VCF-style: chr12-22035425-A-G.
Other names: c.1155+275T>C (NM_001377274.1); c.2019+275T>C (NM_005691.4, NM_001377273.1).
Identifiers: ClinVar variation 681235 (VCV000681235.1), dbSNP rs4148664, ClinGen allele CA233620195.

ClinVar aggregate classification (germline): Benign (1 of 4 stars; one submission).

Allele frequency attached by ClinVar (database versions not stated): 1000 Genomes Project 0.28854; 1000 Genomes Project 30x 0.29419; gnomAD 0.34600 and 0.35364; TOPMed 0.34865.
gnomAD v4.1: 52,538 of 152,082 alleles (35%); highest among the groups gnomAD compares: Admixed American, 38%; 9,317 homozygotes.

Submission:

GeneDx
Classification: Benign. Last evaluated: 2018-06-14. Review status: criteria provided, single submitter. Criteria: GeneDx Variant Classification (06012015). Collection method: clinical testing. Allele origin: germline. Affected: yes.
Comment: This variant is considered likely benign or benign based on one or more of the following criteria: it is a conservative change, it occurs at a poorly conserved position in the protein, it is predicted to be benign by multiple in silico algorithms, and/or has population frequency not consistent with disease.